The following is an entry in ClinVar:

NM_017986.4(SLC52A1):c.1315A>G (p.Arg439Gly)

Gene: SLC52A1 (solute carrier family 52 member 1; minus strand). Cytogenetic location: 17p13.2.
Variant type: single nucleotide variant.
Coding change: c.1315A>G on transcript NM_017986.4 (MANE Select); coding-DNA position 1315, A replaced by G.
Protein change: p.Arg439Gly; replaces arginine 439 with glycine.
Molecular consequence: missense variant.
Genome position (GRCh38, 1-based): chr17:5,032,989, T>C on the plus strand (A>G on the coding strand, the complement: SLC52A1 is on the minus strand). VCF-style: chr17-5032989-T-C. GRCh37 (hg19) VCF-style: chr17-4936284-T-C.
Other names: c.1315A>G, p.Arg439Gly (NM_001104577.2); short protein forms R439G.
Identifiers: ClinVar variation 3630980 (VCV003630980.2).

ClinVar aggregate classification (germline): Uncertain significance (1 of 4 stars; one submission).

Conditions:
Vitamin B2 deficiency. Identifiers: MedGen C0035528.

Submission:

Labcorp Genetics (formerly Invitae), Labcorp
Classification: Uncertain significance for Vitamin B2 deficiency. Last evaluated: 2024-03-09. Review status: criteria provided, single submitter. Criteria: Invitae Variant Classification Sherloc (09022015). Collection method: clinical testing. Allele origin: germline.
Comment: This sequence change replaces arginine, which is basic and polar, with glycine, which is neutral and non-polar, at codon 439 of the SLC52A1 protein (p.Arg439Gly). This variant is not present in population databases (gnomAD no frequency). This variant has not been reported in the literature in individuals affected with SLC52A1-related conditions. An algorithm developed to predict the effect of missense changes on protein structure and function (PolyPhen-2) suggests that this variant is likely to be tolerated. In summary, the available evidence is currently insufficient to determine the role of this variant in disease. Therefore, it has been classified as a Variant of Uncertain Significance.